The following is an entry in ClinVar:

ClinVar aggregate classification (germline): Uncertain significance (1 of 4 stars; one submission).

gnomAD v4.1: 1 of 1,613,904 alleles (0.000062%); highest among the groups gnomAD compares: Non-Finnish European, 0.000085%; no homozygotes.

Submission:

Labcorp Genetics (formerly Invitae), Labcorp
Classification: Uncertain significance. Last evaluated: 2022-11-08. Review status: criteria provided, single submitter. Criteria: Invitae Variant Classification Sherloc (09022015). Collection method: clinical testing. Allele origin: germline.
Comment: In summary, the available evidence is currently insufficient to determine the role of this variant in disease. Therefore, it has been classified as a Variant of Uncertain Significance. Algorithms developed to predict the effect of missense changes on protein structure and function (SIFT, PolyPhen-2, Align-GVGD) all suggest that this variant is likely to be tolerated. This variant has not been reported in the literature in individuals affected with PTH1R-related conditions. This variant is not present in population databases (gnomAD no frequency). This sequence change replaces threonine, which is neutral and polar, with asparagine, which is neutral and polar, at codon 542 of the PTH1R protein (p.Thr542Asn).

NM_000316.3(PTH1R):c.1625C>A (p.Thr542Asn)

Gene: PTH1R (parathyroid hormone 1 receptor; plus strand). Cytogenetic location: 3p21.31.
Variant type: single nucleotide variant.
Coding change: c.1625C>A on transcript NM_000316.3 (MANE Select); coding-DNA position 1625, C replaced by A.
Protein change: p.Thr542Asn; replaces threonine 542 with asparagine.
Molecular consequence: missense variant.
Genome position (GRCh38, 1-based): chr3:46,903,499, C>A. VCF-style: chr3-46903499-C-A. GRCh37 (hg19) VCF-style: chr3-46944989-C-A.
Other names: c.1625C>A, p.Thr542Asn (NM_001184744.1); short protein forms T542N.
Identifiers: ClinVar variation 2120210 (VCV002120210.4), dbSNP rs2545054200, ClinGen allele CA352503962.